The following is an entry in ClinVar:

NM_003105.6(SORL1):c.2416G>A (p.Asp806Asn)

Genes: SORL1 (sortilin related receptor 1; plus strand), LOC114803469 (SORL1 eExon liver enhancer; plus strand). Cytogenetic location: 11q24.1.
Variant type: single nucleotide variant.
Coding change: c.2416G>A on transcript NM_003105.6 (MANE Select); coding-DNA position 2416, G replaced by A.
Protein change: p.Asp806Asn; replaces aspartic acid 806 with asparagine.
Molecular consequence: missense variant.
Genome position (GRCh38, 1-based): chr11:121,554,086, G>A. VCF-style: chr11-121554086-G-A. GRCh37 (hg19) VCF-style: chr11-121424795-G-A.
Other names: short protein forms D806N.
Identifiers: ClinVar variation 2137277 (VCV002137277.4), dbSNP rs1434306949, ClinGen allele CA383033930.

ClinVar aggregate classification (germline): Uncertain significance (1 of 4 stars; one submission).

Allele frequency attached by ClinVar (database versions not stated): gnomAD exomes below 0.00001; TOPMed below 0.00001.
gnomAD v4.1: 1 of 1,614,034 alleles (0.000062%); no homozygotes.

Submission:

Labcorp Genetics (formerly Invitae), Labcorp
Classification: Uncertain significance. Last evaluated: 2023-11-14. Review status: criteria provided, single submitter. Criteria: Invitae Variant Classification Sherloc (09022015). Collection method: clinical testing. Allele origin: germline.
Comment: This sequence change replaces aspartic acid, which is acidic and polar, with asparagine, which is neutral and polar, at codon 806 of the SORL1 protein (p.Asp806Asn). This variant is not present in population databases (gnomAD no frequency). This missense change has been observed in individual(s) with Alzheimer disease (PMID: 26303663, 28789839). ClinVar contains an entry for this variant (Variation ID: 2137277). An algorithm developed to predict the effect of missense changes on protein structure and function (PolyPhen-2) suggests that this variant is likely to be disruptive. Experimental studies have shown that this missense change affects SORL1 function (PMID: 34922638). In summary, the available evidence is currently insufficient to determine the role of this variant in disease. Therefore, it has been classified as a Variant of Uncertain Significance.

Literature cited by the submitters: PubMed 26303663; PubMed 28789839; PubMed 34922638.